The following is an entry in ClinVar:

NM_199420.4(POLQ):c.3548A>T (p.Tyr1183Phe)

Gene: POLQ (DNA polymerase theta; minus strand). Cytogenetic location: 3q13.33.
Variant type: single nucleotide variant.
Coding change: c.3548A>T on transcript NM_199420.4 (MANE Select); coding-DNA position 3548, A replaced by T.
Protein change: p.Tyr1183Phe; replaces tyrosine 1183 with phenylalanine.
Molecular consequence: missense variant.
Genome position (GRCh38, 1-based): chr3:121,489,383, T>A on the plus strand (A>T on the coding strand, the complement: POLQ is on the minus strand). VCF-style: chr3-121489383-T-A. GRCh37 (hg19) VCF-style: chr3-121208230-T-A.
Other names: short protein forms Y1183F.
Identifiers: ClinVar variation 1732534 (VCV001732534.3), dbSNP rs1342993761, ClinGen allele CA354099283.

ClinVar aggregate classification (germline): Uncertain significance (1 of 4 stars; one submission).

Allele frequency attached by ClinVar (database versions not stated): gnomAD exomes below 0.00001.
gnomAD v4.1: 2 of 1,613,518 alleles (0.00012%); highest among the groups gnomAD compares: Non-Finnish European, 0.00017%; no homozygotes.

Submission:

Ambry Genetics
Classification: Uncertain significance. Last evaluated: 2024-09-16. Review status: criteria provided, single submitter. Criteria: Ambry Variant Classification Scheme 2023. Collection method: clinical testing. Allele origin: germline.
Comment: The p.Y1183F variant (also known as c.3548A>T), located in coding exon 16 of the POLQ gene, results from an A to T substitution at nucleotide position 3548. The tyrosine at codon 1183 is replaced by phenylalanine, an amino acid with highly similar properties. This amino acid position is conserved. In addition, this alteration is predicted to be tolerated by in silico analysis. Since supporting evidence is limited at this time, the clinical significance of this alteration remains unclear.